The following is an entry in ClinVar:

NM_005763.4(AASS):c.1529-3T>C

Gene: AASS (aminoadipate-semialdehyde synthase; minus strand). Cytogenetic location: 7q31.32.
Variant type: single nucleotide variant.
Coding change: c.1529-3T>C on transcript NM_005763.4 (MANE Select); 3 bases into the intron before coding-DNA position 1529, T replaced by C.
Molecular consequence: intron variant.
Genome position (GRCh38, 1-based): chr7:122,098,579, A>G on the plus strand (T>C on the coding strand, the complement: AASS is on the minus strand). VCF-style: chr7-122098579-A-G. GRCh37 (hg19) VCF-style: chr7-121738633-A-G.
Identifiers: ClinVar variation 2155329 (VCV002155329.27), dbSNP rs200857543, ClinGen allele CA4458294.

ClinVar aggregate classification (germline): Conflicting classifications of pathogenicity. Review status: criteria provided, conflicting classifications (1 of 4 stars). 2 submissions from 2 submitters: Uncertain significance (1); Likely benign (1). Last evaluated 2024-10-15.

Allele frequency attached by ClinVar (database versions not stated): ESP Exome Variant Server 0.00015; gnomAD 0.00015; TOPMed 0.00017; gnomAD exomes 0.00021; ExAC 0.00024.
gnomAD v4.1: 322 of 1,606,728 alleles (0.02%); highest among the groups gnomAD compares: Middle Eastern, 0.084%; no homozygotes.

Submissions (2):

Labcorp Genetics (formerly Invitae), Labcorp
Classification: Uncertain significance. Last evaluated: 2024-10-15. Review status: criteria provided, single submitter. Criteria: Invitae Variant Classification Sherloc (09022015). Collection method: clinical testing. Allele origin: germline.
Comment: This sequence change falls in intron 14 of the AASS gene. It does not directly change the encoded amino acid sequence of the AASS protein. It affects a nucleotide within the consensus splice site. This variant is present in population databases (rs200857543, gnomAD 0.2%). This variant has not been reported in the literature in individuals affected with AASS-related conditions. ClinVar contains an entry for this variant (Variation ID: 2155329). Variants that disrupt the consensus splice site are a relatively common cause of aberrant splicing (PMID: 17576681, 9536098). Algorithms developed to predict the effect of sequence changes on RNA splicing suggest that this variant is not likely to affect RNA splicing. In summary, the available evidence is currently insufficient to determine the role of this variant in disease. Therefore, it has been classified as a Variant of Uncertain Significance.

CeGaT Center for Human Genetics Tuebingen
Classification: Likely benign. Last evaluated: 2022-06-01. Review status: criteria provided, single submitter. Criteria: CeGaT Center For Human Genetics Tuebingen Variant Classification Criteria Version 2. Collection method: clinical testing. Allele origin: germline. Affected: yes. Observed: 1 variant allele.
Comment: AASS: BP4

Literature cited by the submitters: PubMed 17576681 (cited by Labcorp Genetics (formerly Invitae), Labcorp); PubMed 9536098 (cited by Labcorp Genetics (formerly Invitae), Labcorp).